The following is an entry in ClinVar:

ClinVar aggregate classification (germline): Benign (1 of 4 stars; one submission).

Conditions:
Cystic fibrosis (CF). Also called: MUCOVISCIDOSIS. Identifiers: Orphanet 586, MedGen C0010674, MONDO:0009061, OMIM 219700. Disease mechanism: loss of function.

Submission:

CFTR-France
Classification: Benign for cystic fibrosis. Last evaluated: 2018-01-29. Review status: criteria provided, single submitter. Criteria: Claustres M et al. (Hum Mutat 2017). Collection method: curation. Allele origin: germline. Affected: no.
Comment: the variant does not result in CFTR-RD neither

NM_000492.3(CFTR):c.-85C>G

Genes: CFTR (CF transmembrane conductance regulator; plus strand), LOC111674463 (CFTR promoter region; plus strand). Cytogenetic location: 7q31.2.
Variant type: single nucleotide variant.
Coding change: c.-85C>G on transcript NM_000492.3; 85 bases upstream of the start codon, C replaced by G.
Genome position (GRCh38, 1-based): chr7:117,480,010, C>G. VCF-style: chr7-117480010-C-G. GRCh37 (hg19) VCF-style: chr7-117120064-C-G.
Identifiers: ClinVar variation 818099 (VCV000818099.3), dbSNP rs530414231, ClinGen allele CA915945436.